The following is an entry in ClinVar:

ClinVar aggregate classification (germline): Uncertain significance (1 of 4 stars; one submission).

Conditions:
Hereditary cancer-predisposing syndrome. Also called: Neoplastic Syndromes, Hereditary; Tumor predisposition; Hereditary neoplastic syndrome; Hereditary Cancer Syndrome. Identifiers: Orphanet 140162, MedGen C0027672, MeSH D009386, MONDO:0015356.

Submission:

Color Diagnostics, LLC DBA Color Health
Classification: Uncertain significance for Hereditary cancer-predisposing syndrome. Last evaluated: 2023-12-04. Review status: criteria provided, single submitter. Criteria: ACMG Guidelines, 2015. Collection method: clinical testing. Allele origin: germline.
Comment: This missense variant replaces proline with leucine at codon 723 of the BAP1 protein. Computational prediction suggests that this variant may not impact protein structure and function (internally defined REVEL score threshold <= 0.5, PMID: 27666373). To our knowledge, functional studies have not been reported for this variant. This variant has not been reported in individuals affected with BAP1-related disorders in the literature. This variant has not been identified in the general population by the Genome Aggregation Database (gnomAD). The available evidence is insufficient to determine the role of this variant in disease conclusively. Therefore, this variant is classified as a Variant of Uncertain Significance.

NM_004656.4(BAP1):c.2168C>T (p.Pro723Leu)

Gene: BAP1 (BRCA1 associated deubiquitinase 1; minus strand). Cytogenetic location: 3p21.1.
Variant type: single nucleotide variant.
Coding change: c.2168C>T on transcript NM_004656.4 (MANE Select); coding-DNA position 2168, C replaced by T.
Protein change: p.Pro723Leu; replaces proline 723 with leucine.
Molecular consequence: missense variant.
Genome position (GRCh38, 1-based): chr3:52,402,310, G>A on the plus strand (C>T on the coding strand, the complement: BAP1 is on the minus strand). VCF-style: chr3-52402310-G-A. GRCh37 (hg19) VCF-style: chr3-52436326-G-A.
Other names: short protein forms P723L.
Identifiers: ClinVar variation 629990 (VCV000629990.5), dbSNP rs1559584547, ClinGen allele CA353093976.
Genomic context (GRCh38, chr3:52,402,310, plus strand): 5'-ACGGCAAGAGTGGGCTGCAGAGTCAGGGCCAGCAGTCCTCACTGGCGCTTGGCCTTGTAG[G>A]GGCGAGAGCGTTTCCGCCGGTCAGGCTTCCGCTGCTTGTGGAGCCGGCCGATGCTGACCC-3'
Protein context (NP_004647.1, residues 713-729): RKPDRRKRSR[Pro723Leu]YKAKRQ